The following is an entry in ClinVar:

NM_001006658.3(CR2):c.1225+6T>C

Genes: CR2 (complement C3d receptor 2; plus strand), LOC126805994 (BRD4-independent group 4 enhancer GRCh37_chr1:207642622-207643821; plus strand). Cytogenetic location: 1q32.2.
Variant type: single nucleotide variant.
Coding change: c.1225+6T>C on transcript NM_001006658.3 (MANE Select); 6 bases into the intron after coding-DNA position 1225, T replaced by C.
Molecular consequence: intron variant.
Genome position (GRCh38, 1-based): chr1:207,470,108, T>C. VCF-style: chr1-207470108-T-C. GRCh37 (hg19) VCF-style: chr1-207643453-T-C.
Other names: c.1225+6T>C (NM_001877.5).
Identifiers: ClinVar variation 1434908 (VCV001434908.3), dbSNP rs767997795, ClinGen allele CA1368653.

ClinVar aggregate classification (germline): Uncertain significance (1 of 4 stars; one submission).

Conditions:
Immunodeficiency, common variable, 7. Identifiers: Orphanet 1572, Orphanet 696894, MedGen C3542922, MONDO:0013862, OMIM 614699.

gnomAD v4.1: 16 of 1,613,138 alleles (0.00099%); highest among the groups gnomAD compares: Admixed American, 0.0017%; no homozygotes.

Submission:

Labcorp Genetics (formerly Invitae), Labcorp
Classification: Uncertain significance for Immunodeficiency, common variable, 7. Last evaluated: 2021-01-07. Review status: criteria provided, single submitter. Criteria: Invitae Variant Classification Sherloc (09022015). Collection method: clinical testing. Allele origin: germline.
Comment: This sequence change falls in intron 6 of the CR2 gene. It does not directly change the encoded amino acid sequence of the CR2 protein. It affects a nucleotide within the consensus splice site of the intron. This variant is present in population databases (rs767997795, ExAC 0.002%). This variant has not been reported in the literature in individuals with CR2-related conditions. Nucleotide substitutions within the consensus splice site are a relatively common cause of aberrant splicing (PMID: 17576681, 9536098). Algorithms developed to predict the effect of sequence changes on RNA splicing suggest that this variant may disrupt the consensus splice site, but this prediction has not been confirmed by published transcriptional studies. In summary, the available evidence is currently insufficient to determine the role of this variant in disease. Therefore, it has been classified as a Variant of Uncertain Significance.

Literature cited by the submitters: PubMed 17576681; PubMed 9536098.